The following is an entry in ClinVar:

ClinVar aggregate classification (germline): Pathogenic/Likely pathogenic. Review status: criteria provided, multiple submitters, no conflicts (2 of 4 stars). 3 submissions from 3 submitters: Pathogenic (2); Likely pathogenic (1). Last evaluated 2026-05-19.

Conditions:
Primary immunodeficiency with post-measles-mumps-rubella vaccine viral infection. Also called: Immunodeficiency 44. Identifiers: Orphanet 431166, MedGen C4225260, MONDO:0014715, OMIM 616636.

Submissions (3):

Laboratory of Inborn Errors of Immunity, KU Leuven
Classification: Pathogenic for Primary immunodeficiency with post-measles-mumps-rubella vaccine viral infection. Last evaluated: 2026-05-19. Review status: criteria provided, single submitter. Criteria: ACMG Guidelines, 2015. Collection method: research. Allele origin: germline. Inheritance: Autosomal recessive inheritance. Affected: yes. Observed: 2 variant alleles, 2 homozygotes. Clinical features observed: Disseminated infection with live vaccine virus (HP:0031697), Severe viral infection (HP:0031691), Recurrent fever (HP:0001954), Sepsis (HP:0100806), Cervical lymphadenopathy (HP:0025289), Hepatosplenomegaly (HP:0001433).
Comment: The c.1467_1468insC (K490Qfs*41) variant in STAT2 has not been previously reported in large population studies. Its allele frequency is extremely low (0.0000049) and it has not been reported in homozygous form. This variant segregates with the clinical phenotype of STAT2 deficiency (PMID:23391734, PMID:36976641) following an autosomal recessive inheritance model in this family. This sequence change creates a premature translational stop signal and was predicted to be pathogenic in silico (CADD score: 24). In vitro functional studies confirmed loss of STAT2 mRNA expression, loss of full-length STAT2 protein expression, loss of STAT2 phosphorylation and lack of downstream interferon-stimulated genes induction after stimulation with type I interferon. This variant meets the ACMG/AMP criteria to be classified as pathogenic (PVS1, PS3, PS4, PM2, PM3, PM4).

Dasa
Classification: Likely pathogenic. Last evaluated: 2025-12-01. Review status: criteria provided, single submitter. Criteria: DASA Assertion Criteria. Collection method: clinical testing. Allele origin: germline.
Comment: NM_005419.4(STAT2):c.1467dup (p.Lys490Glnfs*41) is a frameshift variant in STAT2 predicted to alter the reading frame and introduce a premature termination codon and is predicted to result in an absent or altered protein product. Loss of function is an established disease mechanism for STAT2-associated disorders. Also, this variant is rare in population databases. Based on the currently available evidence, this variant is classified as likely pathogenic.

Labcorp Genetics (formerly Invitae), Labcorp
Classification: Pathogenic for Primary immunodeficiency with post-measles-mumps-rubella vaccine viral infection. Last evaluated: 2024-06-14. Review status: criteria provided, single submitter. Criteria: Invitae Variant Classification Sherloc (09022015). Collection method: clinical testing. Allele origin: germline.
Comment: This sequence change creates a premature translational stop signal (p.Lys490Glnfs*41) in the STAT2 gene. It is expected to result in an absent or disrupted protein product. Loss-of-function variants in STAT2 are known to be pathogenic (PMID: 23391734, 26122121). This variant is not present in population databases (gnomAD no frequency). This variant has not been reported in the literature in individuals affected with STAT2-related conditions. ClinVar contains an entry for this variant (Variation ID: 1457429). Algorithms developed to predict the effect of sequence changes on RNA splicing suggest that this variant may disrupt the consensus splice site. For these reasons, this variant has been classified as Pathogenic.

Literature cited by the submitters: PubMed 23391734 (cited by Laboratory of Inborn Errors of Immunity, KU Leuven and Labcorp Genetics (formerly Invitae), Labcorp); PubMed 36976641 (cited by Laboratory of Inborn Errors of Immunity, KU Leuven); PubMed 26122121 (cited by Labcorp Genetics (formerly Invitae), Labcorp).

NM_005419.4(STAT2):c.1467dup (p.Lys490fs)

Gene: STAT2 (signal transducer and activator of transcription 2; minus strand). Cytogenetic location: 12q13.3.
Variant type: Duplication.
Coding change: c.1467dup on transcript NM_005419.4 (MANE Select); coding-DNA position 1467, one base duplicated (C; older notation c.1467dupC).
Protein change: p.Lys490fs; shifts the reading frame from lysine 490.
Molecular consequence: frameshift variant. On other transcripts: intron variant (1).
Genome position (GRCh38, 1-based): chr12:56,349,033, G duplicated on the plus strand (C on the coding strand, the reverse complement: STAT2 is on the minus strand); the first of 7 consecutive G bases (chr12:56,349,033-56,349,039); duplicating any one gives the same sequence. VCF-style (leftmost placement, unchanged base first): chr12-56349032-T-TG. GRCh37 (hg19) VCF-style: chr12-56742816-T-TG.
Other names: c.1434dup, p.Lys479fs (NM_001385110.1); c.1368dup, p.Lys457fs (NM_001385111.1); c.1467dup, p.Lys490fs (NM_001385113.1); c.1446dup, p.Lys483fs (NM_001385114.1); c.1455dup, p.Lys486fs (NM_198332.2); c.1429-4dup (NM_001385115.1); c.1467_1468insC (NM_005419.4); short protein forms K457fs, K483fs, K486fs, K490fs, K479fs.
Identifiers: ClinVar variation 1457429 (VCV001457429.9), dbSNP rs763294380, ClinGen allele CA6630490.